The following is an entry in ClinVar:

NM_001079866.2(BCS1L):c.504G>A (p.Met168Ile)

Gene: BCS1L (BCS1 homolog, ubiquinol-cytochrome c reductase complex chaperone; plus strand). Cytogenetic location: 2q35.
Variant type: single nucleotide variant.
Coding change: c.504G>A on transcript NM_001079866.2 (MANE Select); coding-DNA position 504, G replaced by A.
Protein change: p.Met168Ile; replaces methionine 168 with isoleucine.
Molecular consequence: missense variant. On other transcripts: initiator codon variant (6), non-coding transcript variant (1).
Genome position (GRCh38, 1-based): chr2:218,661,802, G>A. VCF-style: chr2-218661802-G-A. GRCh37 (hg19) VCF-style: chr2-219526525-G-A.
Other names: p.M168I:ATG>ATA; c.504G>A, p.Met168Ile (NM_001257342.2, NM_001257343.2, NM_001257344.2 and 10 more transcripts); c.144G>A, p.Met48Ile (NM_001318836.2, NM_001371451.1); c.3G>A, p.Met1Ile (NM_001371452.1, NM_001371453.1, NM_001371454.1 and 3 more transcripts); short protein forms M168I, M48I, M1I.
Identifiers: ClinVar variation 214158 (VCV000214158.2), dbSNP rs863223914, ClinGen allele CA323983.
Genomic context (GRCh38, chr2:218,661,802, plus strand): 5'-CATCTTCTCCTTCCCAGCTCGAGAGCTAGCCTTGCAGCAGGAGGAAGGGAAGACCGTGAT[G>A]TACACAGCTGTGGGCTCTGAATGGCGTCCCTTTGGCTATCCACGCCGCCGGCGACCACTG-3'
Protein context (NP_001073335.1, residues 158-178): ALQQEEGKTV[Met168Ile]YTAVGSEWRP

ClinVar aggregate classification (germline): Likely benign (1 of 4 stars; one submission).

Submission:

GeneDx
Classification: Likely benign. Last evaluated: 2012-02-01. Review status: criteria provided, single submitter. Criteria: GeneDx Variant Classification (06012015). Collection method: clinical testing. Allele origin: germline. Affected: yes.
Comment: This variant is considered likely benign or benign based on one or more of the following criteria: it is a conservative change, it occurs at a poorly conserved position in the protein, it is predicted to be benign by multiple in silico algorithms, and/or has population frequency not consistent with disease.